The following is an entry in ClinVar:

ClinVar aggregate classification (germline): Uncertain significance (1 of 4 stars; one submission).

Allele frequency attached by ClinVar (database versions not stated): gnomAD exomes below 0.00001; TOPMed 0.00004; gnomAD 0.00005.
gnomAD v4.1: 14 of 1,612,394 alleles (0.00087%); highest among the groups gnomAD compares: African/African-American, 0.013%; no homozygotes.

Submission:

Labcorp Genetics (formerly Invitae), Labcorp
Classification: Uncertain significance for Ehlers-Danlos syndrome progeroid type. Last evaluated: 2024-07-08. Review status: criteria provided, single submitter. Criteria: Invitae Variant Classification Sherloc (09022015). Collection method: clinical testing. Allele origin: germline.
Comment: This sequence change replaces serine, which is neutral and polar, with cysteine, which is neutral and slightly polar, at codon 54 of the B4GALT7 protein (p.Ser54Cys). This variant is present in population databases (no rsID available, gnomAD 0.03%). This variant has not been reported in the literature in individuals affected with B4GALT7-related conditions. ClinVar contains an entry for this variant (Variation ID: 2186586). An algorithm developed to predict the effect of missense changes on protein structure and function (PolyPhen-2) suggests that this variant is likely to be disruptive. In summary, the available evidence is currently insufficient to determine the role of this variant in disease. Therefore, it has been classified as a Variant of Uncertain Significance.

NM_007255.3(B4GALT7):c.161C>G (p.Ser54Cys)

Gene: B4GALT7 (beta-1,4-galactosyltransferase 7; plus strand). Cytogenetic location: 5q35.3.
Variant type: single nucleotide variant.
Coding change: c.161C>G on transcript NM_007255.3 (MANE Select); coding-DNA position 161, C replaced by G.
Protein change: p.Ser54Cys; replaces serine 54 with cysteine.
Molecular consequence: missense variant.
Genome position (GRCh38, 1-based): chr5:177,604,289, C>G. VCF-style: chr5-177604289-C-G. GRCh37 (hg19) VCF-style: chr5-177031290-C-G.
Other names: short protein forms S54C.
Identifiers: ClinVar variation 2186586 (VCV002186586.2), dbSNP rs1025566307, ClinGen allele CA132891947.